The following is an entry in ClinVar:

ClinVar aggregate classification (germline): Uncertain significance (1 of 4 stars; one submission).

Conditions:
Hereditary neuropathy or pain disorder.

Submission:

Cambridge Genomics Laboratory, East Genomic Laboratory Hub, NHS Genomic Medicine Service
Classification: Uncertain significance for Hereditary neuropathy or pain disorder. Last evaluated: 2023-12-05. Review status: criteria provided, single submitter. Criteria: ACGS Best Practice Guidelines for Variant Classification in Rare Disease 2020. Collection method: clinical testing. Allele origin: germline. Affected: yes.
Comment: The p.Leu382Met variant is novel (not in any individuals) in gnomAD All. The p.Leu382Met variant is novel (not in any individuals) in 1kG All. The p.Leu382Met variant is novel (not in any individuals) in gnomAD Genomes v3 All. (PM2 - Moderate) | (PM1_Supporting - Supporting) | The p.Leu382Met missense variant is predicted to be damaging by both SIFT and PolyPhen2. (PP3 - Supporting)

NM_021076.4(NEFH):c.1144C>A (p.Leu382Met)

Gene: NEFH (neurofilament heavy chain; plus strand). Cytogenetic location: 22q12.2.
Variant type: single nucleotide variant.
Coding change: c.1144C>A on transcript NM_021076.4 (MANE Select); coding-DNA position 1144, C replaced by A.
Protein change: p.Leu382Met; replaces leucine 382 with methionine.
Molecular consequence: missense variant.
Genome position (GRCh38, 1-based): chr22:29,485,783, C>A. VCF-style: chr22-29485783-C-A. GRCh37 (hg19) VCF-style: chr22-29881772-C-A.
Other names: short protein forms L382M.
Identifiers: ClinVar variation 4812863 (VCV004812863.1).